The following is an entry in ClinVar:

NM_005732.4(RAD50):c.2277A>C (p.Arg759Ser)

Gene: RAD50 (RAD50 double strand break repair protein; plus strand). Cytogenetic location: 5q31.1.
Variant type: single nucleotide variant.
Coding change: c.2277A>C on transcript NM_005732.4 (MANE Select); coding-DNA position 2277, A replaced by C.
Protein change: p.Arg759Ser; replaces arginine 759 with serine.
Molecular consequence: missense variant.
Genome position (GRCh38, 1-based): chr5:132,603,369, A>C. VCF-style: chr5-132603369-A-C. GRCh37 (hg19) VCF-style: chr5-131939061-A-C.
Other names: short protein forms R759S.
Identifiers: ClinVar variation 1043926 (VCV001043926.9), dbSNP rs1750921783, ClinGen allele CA360954264.

ClinVar aggregate classification (germline): Uncertain significance (1 of 4 stars; one submission).

Conditions:
Hereditary cancer-predisposing syndrome. Also called: Hereditary Cancer Syndrome; Tumor predisposition; Hereditary neoplastic syndrome; Neoplastic Syndromes, Hereditary. Identifiers: Orphanet 140162, MedGen C0027672, MeSH D009386, MONDO:0015356.

Submission:

Labcorp Genetics (formerly Invitae), Labcorp
Classification: Uncertain significance for Hereditary cancer-predisposing syndrome. Last evaluated: 2022-09-13. Review status: criteria provided, single submitter. Criteria: Invitae Variant Classification Sherloc (09022015). Collection method: clinical testing. Allele origin: germline.
Comment: This sequence change replaces arginine, which is basic and polar, with serine, which is neutral and polar, at codon 759 of the RAD50 protein (p.Arg759Ser). This variant is not present in population databases (gnomAD no frequency). This variant has not been reported in the literature in individuals affected with RAD50-related conditions. ClinVar contains an entry for this variant (Variation ID: 1043926). Advanced modeling of protein sequence and biophysical properties (such as structural, functional, and spatial information, amino acid conservation, physicochemical variation, residue mobility, and thermodynamic stability) performed at Invitae indicates that this missense variant is not expected to disrupt RAD50 protein function. In summary, the available evidence is currently insufficient to determine the role of this variant in disease. Therefore, it has been classified as a Variant of Uncertain Significance.